The following is an entry in ClinVar:

ClinVar aggregate classification (germline): Conflicting classifications of pathogenicity. Review status: criteria provided, conflicting classifications (1 of 4 stars). 2 submissions from 2 submitters: Uncertain significance (1); Likely benign (1). Last evaluated 2025-11-11.

Conditions:
Cardiovascular phenotype. Identifiers: MedGen CN230736.
Hypertrophic cardiomyopathy. Also called: HYPERTROPHIC MYOCARDIOPATHY. Identifiers: Orphanet 217569, MedGen C0007194, MeSH D002312, MONDO:0005045, HP:0001639.

Allele frequency attached by ClinVar (database versions not stated): gnomAD exomes 0.00002; TOPMed below 0.00001; ExAC 0.00016; ESP Exome Variant Server 0.00008.

Submissions (2):

Labcorp Genetics (formerly Invitae), Labcorp
Classification: Uncertain significance for Hypertrophic cardiomyopathy. Last evaluated: 2025-11-11. Review status: criteria provided, single submitter. Criteria: Invitae Variant Classification Sherloc (09022015). Collection method: clinical testing. Allele origin: germline.
Comment: This sequence change replaces alanine, which is neutral and non-polar, with threonine, which is neutral and polar, at codon 388 of the JPH2 protein (p.Ala388Thr). This variant is present in population databases (rs200356989, gnomAD 0.01%). This variant has not been reported in the literature in individuals affected with JPH2-related conditions. ClinVar contains an entry for this variant (Variation ID: 2902879). An algorithm developed to predict the effect of missense changes on protein structure and function (PolyPhen-2) suggests that this variant is likely to be tolerated. In summary, the available evidence is currently insufficient to determine the role of this variant in disease. Therefore, it has been classified as a Variant of Uncertain Significance.

Ambry Genetics
Classification: Likely benign for Cardiovascular phenotype. Last evaluated: 2024-08-02. Review status: criteria provided, single submitter. Criteria: Ambry Variant Classification Scheme 2023. Collection method: clinical testing. Allele origin: germline.

NM_020433.5(JPH2):c.1162G>A (p.Ala388Thr)

Gene: JPH2 (junctophilin 2; minus strand). Cytogenetic location: 20q13.12.
Variant type: single nucleotide variant.
Coding change: c.1162G>A on transcript NM_020433.5 (MANE Select); coding-DNA position 1162, G replaced by A.
Protein change: p.Ala388Thr; replaces alanine 388 with threonine.
Molecular consequence: missense variant.
Genome position (GRCh38, 1-based): chr20:44,159,625, C>T on the plus strand (G>A on the coding strand, the complement: JPH2 is on the minus strand). VCF-style: chr20-44159625-C-T. GRCh37 (hg19) VCF-style: chr20-42788265-C-T.
Other names: short protein forms A388T.
Identifiers: ClinVar variation 2902879 (VCV002902879.4), dbSNP rs200356989, ClinGen allele CA9868729.